The following is an entry in ClinVar:

ClinVar aggregate classification (germline): Uncertain significance. Review status: criteria provided, multiple submitters, no conflicts (2 of 4 stars). 2 submissions from 2 submitters: Uncertain significance (2). Last evaluated 2024-05-14.

Conditions:
Hereditary pancreatitis (PCTT). Also called: PRSS1-Related Hereditary Pancreatitis; Hereditary chronic pancreatitis. Identifiers: Orphanet 676, MedGen C0238339, MONDO:0008185, OMIM 167800.

Allele frequency attached by ClinVar (database versions not stated): TOPMed below 0.00001; ExAC 0.00001.

Submissions (2):

Ambry Genetics
Classification: Uncertain significance for Hereditary pancreatitis. Last evaluated: 2024-05-14. Review status: criteria provided, single submitter. Criteria: Ambry Variant Classification Scheme 2023. Collection method: clinical testing. Allele origin: germline.
Comment: The p.G83R variant (also known as c.247G>C), located in coding exon 3 of the CPA1 gene, results from a G to C substitution at nucleotide position 247. The glycine at codon 83 is replaced by arginine, an amino acid with dissimilar properties. This amino acid position is conserved. In addition, this alteration is predicted to be tolerated by in silico analysis. Since supporting evidence is limited at this time, the clinical significance of this alteration remains unclear.

Labcorp Genetics (formerly Invitae), Labcorp
Classification: Uncertain significance. Last evaluated: 2022-04-01. Review status: criteria provided, single submitter. Criteria: Invitae Variant Classification Sherloc (09022015). Collection method: clinical testing. Allele origin: germline.
Comment: This sequence change replaces glycine, which is neutral and non-polar, with arginine, which is basic and polar, at codon 83 of the CPA1 protein (p.Gly83Arg). This variant is present in population databases (rs782186717, gnomAD no frequency). This variant has not been reported in the literature in individuals affected with CPA1-related conditions. Algorithms developed to predict the effect of missense changes on protein structure and function are either unavailable or do not agree on the potential impact of this missense change (SIFT: "Tolerated"; PolyPhen-2: "Probably Damaging"; Align-GVGD: "Class C0"). In summary, the available evidence is currently insufficient to determine the role of this variant in disease. Therefore, it has been classified as a Variant of Uncertain Significance.

NM_001868.4(CPA1):c.247G>C (p.Gly83Arg)

Gene: CPA1 (carboxypeptidase A1; plus strand). Cytogenetic location: 7q32.2.
Variant type: single nucleotide variant.
Coding change: c.247G>C on transcript NM_001868.4 (MANE Select); coding-DNA position 247, G replaced by C.
Protein change: p.Gly83Arg; replaces glycine 83 with arginine.
Molecular consequence: missense variant.
Genome position (GRCh38, 1-based): chr7:130,381,729, G>C. VCF-style: chr7-130381729-G-C. GRCh37 (hg19) VCF-style: chr7-130021570-G-C.
Other names: short protein forms G83R.
Identifiers: ClinVar variation 1791900 (VCV001791900.8), dbSNP rs782186717, ClinGen allele CA4484738.